The following is an entry in ClinVar:

NM_001457.4(FLNB):c.1105A>G (p.Asn369Asp)

Gene: FLNB (filamin B; plus strand). Cytogenetic location: 3p14.3.
Variant type: single nucleotide variant.
Coding change: c.1105A>G on transcript NM_001457.4 (MANE Select); coding-DNA position 1105, A replaced by G.
Protein change: p.Asn369Asp; replaces asparagine 369 with aspartic acid.
Molecular consequence: missense variant.
Genome position (GRCh38, 1-based): chr3:58,097,935, A>G. VCF-style: chr3-58097935-A-G. GRCh37 (hg19) VCF-style: chr3-58083662-A-G.
Other names: c.1105A>G, p.Asn369Asp (NM_001164317.2, NM_001164318.2, NM_001164319.2); short protein forms N369D.
Identifiers: ClinVar variation 3676892 (VCV003676892.2).

ClinVar aggregate classification (germline): Uncertain significance (1 of 4 stars; one submission).

gnomAD v4.1: 4 of 1,614,134 alleles (0.00025%); highest among the groups gnomAD compares: Non-Finnish European, 0.00025%; no homozygotes.

Submission:

Labcorp Genetics (formerly Invitae), Labcorp
Classification: Uncertain significance. Last evaluated: 2024-06-26. Review status: criteria provided, single submitter. Criteria: Invitae Variant Classification Sherloc (09022015). Collection method: clinical testing. Allele origin: germline.
Comment: This sequence change replaces asparagine, which is neutral and polar, with aspartic acid, which is acidic and polar, at codon 369 of the FLNB protein (p.Asn369Asp). This variant is not present in population databases (gnomAD no frequency). This variant has not been reported in the literature in individuals affected with FLNB-related conditions. Advanced modeling of protein sequence and biophysical properties (such as structural, functional, and spatial information, amino acid conservation, physicochemical variation, residue mobility, and thermodynamic stability) performed at Invitae indicates that this missense variant is not expected to disrupt FLNB protein function with a negative predictive value of 95%. In summary, the available evidence is currently insufficient to determine the role of this variant in disease. Therefore, it has been classified as a Variant of Uncertain Significance.